The following is an entry in ClinVar:

ClinVar aggregate classification (germline): Uncertain significance (1 of 4 stars; one submission).

Conditions:
Dyskeratosis congenita, autosomal dominant 1 (DKCA1). Also called: Dyskeratosis congenita Scoggins type. Identifiers: Orphanet 1775, MedGen C4551974, MONDO:0007485, OMIM 127550. Inheritance: Variable.

Submission:

Labcorp Genetics (formerly Invitae), Labcorp
Classification: Uncertain significance for Dyskeratosis congenita, autosomal dominant 1. Last evaluated: 2024-03-13. Review status: criteria provided, single submitter. Criteria: Invitae Variant Classification Sherloc (09022015). Collection method: clinical testing. Allele origin: germline.
Comment: This variant occurs in the TERC gene, which encodes an RNA molecule that does not result in a protein product. This variant is not present in population databases (gnomAD no frequency). This variant has not been reported in the literature in individuals affected with TERC-related conditions. ClinVar contains an entry for this variant (Variation ID: 2182604). This variant is located within the template/pseudoknot domain of the TERC RNA component, which is required for RNA or RNP stability (PMID: 15082312, 21844345). This variant is located in a region of TERC in which a significant number of disease causing variants have been reported (PMID: 15082312, 21844345, 21931702). These observations suggest that this may be a clinically significant region. In summary, the available evidence is currently insufficient to determine the role of this variant in disease. Therefore, it has been classified as a Variant of Uncertain Significance.

Literature cited by the submitters: PubMed 15082312; PubMed 21844345; PubMed 21931702.

NC_000003.12:g.169764971G>A

Genes: TERC (telomerase RNA component; minus strand), LOC110806306 (telomerase RNA component (TERC) promoter; plus strand). Cytogenetic location: 3q26.2.
Variant type: single nucleotide variant.
Genome position: GRCh38 VCF-style: chr3-169764971-G-A. GRCh37 (hg19) VCF-style: chr3-169482759-G-A.
Identifiers: ClinVar variation 2182604 (VCV002182604.4), dbSNP rs1560578729, ClinGen allele CA436715836.